The following is an entry in ClinVar:

ClinVar aggregate classification (germline): Uncertain significance (1 of 4 stars; one submission).

Submission:

Labcorp Genetics (formerly Invitae), Labcorp
Classification: Uncertain significance. Last evaluated: 2025-06-27. Review status: criteria provided, single submitter. Criteria: Invitae Variant Classification Sherloc (09022015). Collection method: clinical testing. Allele origin: germline.
Comment: This sequence change replaces valine, which is neutral and non-polar, with glutamic acid, which is acidic and polar, at codon 1257 of the ITPR1 protein (p.Val1257Glu). This variant is not present in population databases (gnomAD no frequency). This variant has not been reported in the literature in individuals affected with ITPR1-related conditions. Invitae Evidence Modeling of protein sequence and biophysical properties (such as structural, functional, and spatial information, amino acid conservation, physicochemical variation, residue mobility, and thermodynamic stability) indicates that this missense variant is not expected to disrupt ITPR1 protein function with a negative predictive value of 95%. In summary, the available evidence is currently insufficient to determine the role of this variant in disease. Therefore, it has been classified as a Variant of Uncertain Significance.

NM_001378452.1(ITPR1):c.3842T>A (p.Val1281Glu)

Gene: ITPR1 (inositol 1,4,5-trisphosphate receptor type 1; plus strand). Cytogenetic location: 3p26.1.
Variant type: single nucleotide variant.
Coding change: c.3842T>A on transcript NM_001378452.1 (MANE Select); coding-DNA position 3842, T replaced by A.
Protein change: p.Val1281Glu; replaces valine 1281 with glutamic acid.
Molecular consequence: missense variant.
Genome position (GRCh38, 1-based): chr3:4,691,157, T>A. VCF-style: chr3-4691157-T-A. GRCh37 (hg19) VCF-style: chr3-4732841-T-A.
Other names: c.3815T>A, p.Val1272Glu (NM_001099952.4); c.3797T>A, p.Val1266Glu (NM_001168272.2); c.3770T>A, p.Val1257Glu (NM_002222.7); short protein forms V1257E, V1272E, V1281E, V1266E.
Identifiers: ClinVar variation 4779048 (VCV004779048.1).